The following is an entry in ClinVar:

NM_021645.6(UTP14C):c.1393T>C (p.Leu465=)

Genes: ALG11 (ALG11 alpha-1,2-mannosyltransferase; plus strand), UTP14C (UTP14C small subunit processome component; plus strand). Cytogenetic location: 13q14.3.
Variant type: single nucleotide variant.
Coding change: c.1393T>C on transcript NM_021645.6 (MANE Select); coding-DNA position 1393, T replaced by C.
Protein change: p.Leu465=; no amino-acid change (leucine 465 retained).
Molecular consequence: synonymous variant. On other transcripts: 3 prime UTR variant (1), non-coding transcript variant (1).
Genome position (GRCh38, 1-based): chr13:52,030,197, T>C. VCF-style: chr13-52030197-T-C. GRCh37 (hg19) VCF-style: chr13-52604333-T-C.
Other names: c.*1607T>C (NM_001004127.3).
Identifiers: ClinVar variation 1694705 (VCV001694705.31), dbSNP rs41292796, ClinGen allele CA6990354.

ClinVar aggregate classification (germline): Likely benign (1 of 4 stars; one submission).

Allele frequency attached by ClinVar (database versions not stated): TOPMed 0.00045; gnomAD 0.00047 and 0.00048; gnomAD exomes 0.00058 and 0.00074; ESP Exome Variant Server 0.00062; ExAC 0.00067.
gnomAD v4.1: 1,140 of 1,613,828 alleles (0.071%); highest among the groups gnomAD compares: Non-Finnish European, 0.09%; no homozygotes.

Submission:

CeGaT Center for Human Genetics Tuebingen
Classification: Likely benign. Last evaluated: 2026-08-01. Review status: criteria provided, single submitter. Criteria: CeGaT Center For Human Genetics Tuebingen Variant Classification Criteria Version 2. Collection method: clinical testing. Allele origin: germline. Affected: yes. Observed: 2 variant alleles.
Comment: UTP14C: BP4, BP7